The following is an entry in ClinVar:

NM_000782.5(CYP24A1):c.449+2T>C

Gene: CYP24A1 (cytochrome P450 family 24 subfamily A member 1; minus strand). Cytogenetic location: 20q13.2.
Variant type: single nucleotide variant.
Coding change: c.449+2T>C on transcript NM_000782.5 (MANE Select); the canonical splice donor site of the intron after coding-DNA position 449, T replaced by C.
Molecular consequence: splice donor variant.
Genome position (GRCh38, 1-based): chr20:54,172,907, A>G on the plus strand (T>C on the coding strand, the complement: CYP24A1 is on the minus strand). VCF-style: chr20-54172907-A-G. GRCh37 (hg19) VCF-style: chr20-52789446-A-G.
Other names: c.449+2T>C (NM_001128915.2, NM_001424343.1, NM_001424342.1 and 2 more transcripts).
Identifiers: ClinVar variation 2993674 (VCV002993674.3), dbSNP rs2516400177, ClinGen allele CA409392820.

ClinVar aggregate classification (germline): Pathogenic (1 of 4 stars; one submission).

Allele frequency attached by ClinVar (database versions not stated): gnomAD exomes below 0.00001.
gnomAD v4.1: 1 of 1,613,654 alleles (0.000062%); highest among the groups gnomAD compares: Non-Finnish European, 0.000085%; no homozygotes.

Submission:

Labcorp Genetics (formerly Invitae), Labcorp
Classification: Pathogenic. Last evaluated: 2025-01-15. Review status: criteria provided, single submitter. Criteria: Invitae Variant Classification Sherloc (09022015). Collection method: clinical testing. Allele origin: germline.
Comment: This sequence change affects a donor splice site in intron 2 of the CYP24A1 gene. It is expected to disrupt RNA splicing. Variants that disrupt the donor or acceptor splice site typically lead to a loss of protein function (PMID: 16199547), and loss-of-function variants in CYP24A1 are known to be pathogenic (PMID: 21675912). This variant is not present in population databases (gnomAD no frequency). Disruption of this splice site has been observed in individual(s) with infantile hypercalcemia (PMID: 30633617). In at least one individual the data is consistent with being in trans (on the opposite chromosome) from a pathogenic variant. ClinVar contains an entry for this variant (Variation ID: 2993674). Algorithms developed to predict the effect of sequence changes on RNA splicing suggest that this variant may disrupt the consensus splice site. For these reasons, this variant has been classified as Pathogenic.

Literature cited by the submitters: PubMed 16199547; PubMed 21675912; PubMed 30633617.